The following is an entry in ClinVar:

ClinVar aggregate classification (germline): Uncertain significance. Review status: criteria provided, multiple submitters, no conflicts (2 of 4 stars). 2 submissions from 2 submitters: Uncertain significance (2). Last evaluated 2023-11-27.

Conditions:
Parkinson disease, late-onset (PD). Also called: PARKINSON DISEASE, LATE-ONSET, SUSCEPTIBILITY TO; Susceptibility to Parkinson's Disease; Hereditary late onset Parkinson disease. Identifiers: Orphanet 411602, MedGen C3160718, MONDO:0008199, OMIM 168600.

Allele frequency attached by ClinVar (database versions not stated): gnomAD exomes below 0.00001; TOPMed 0.00001.

Submissions (2):

Labcorp Genetics (formerly Invitae), Labcorp
Classification: Uncertain significance. Last evaluated: 2023-11-27. Review status: criteria provided, single submitter. Criteria: Invitae Variant Classification Sherloc (09022015). Collection method: clinical testing. Allele origin: germline.
Comment: This sequence change replaces arginine, which is basic and polar, with glutamine, which is neutral and polar, at codon 294 of the PODXL protein (p.Arg294Gln). This variant is not present in population databases (gnomAD no frequency). This missense change has been observed in individual(s) with Parkinson disease (PMID: 26864383). ClinVar contains an entry for this variant (Variation ID: 218945). Algorithms developed to predict the effect of missense changes on protein structure and function output the following: SIFT: "Not Available"; PolyPhen-2: "Benign"; Align-GVGD: "Not Available". The glutamine amino acid residue is found in multiple mammalian species, which suggests that this missense change does not adversely affect protein function. Experimental studies have shown that this missense change affects PODXL function (PMID: 26864383). In summary, the available evidence is currently insufficient to determine the role of this variant in disease. Therefore, it has been classified as a Variant of Uncertain Significance.

Prof. Thelma's Laboratory, Department of Genetics, University of Delhi South Campus
Classification: Uncertain significance for Parkinson disease, late-onset. Last evaluated: 2015-12-12. Review status: criteria provided, single submitter. Criteria: Sudhaman et al. 2016. Collection method: clinical testing. Allele origin: germline. Affected: yes. Observed: 1 variant allele, 1 heterozygote.

Literature cited by the submitters: PubMed 26864383 (cited by Labcorp Genetics (formerly Invitae), Labcorp).

NM_001018111.3(PODXL):c.977G>A (p.Arg326Gln)

Gene: PODXL (podocalyxin like; minus strand). Cytogenetic location: 7q32.3.
Variant type: single nucleotide variant.
Coding change: c.977G>A on transcript NM_001018111.3 (MANE Select); coding-DNA position 977, G replaced by A.
Protein change: p.Arg326Gln; replaces arginine 326 with glutamine.
Molecular consequence: missense variant.
Genome position (GRCh38, 1-based): chr7:131,509,411, C>T on the plus strand (G>A on the coding strand, the complement: PODXL is on the minus strand). VCF-style: chr7-131509411-C-T. GRCh37 (hg19) VCF-style: chr7-131194170-C-T.
Other names: c.881G>A, p.Arg294Gln (NM_005397.4); short protein forms R326Q, R294Q.
Identifiers: ClinVar variation 218945 (VCV000218945.8), dbSNP rs869312172, ClinGen allele CA353466.
Genomic context (GRCh38, chr7:131,509,411, plus strand): 5'-CCTGCTGGAGTTACCCAGTTACTCTCATGAGCCACAGTGGGAGAAGGTGTTTTGGGGTAT[C>T]GGTGGGTAGTTGATGCTGCTGTGGGGCTGGAGCTCATGGTCTCTGGCAGGGTAGGTGTTC-3'
Protein context (NP_001018121.1, residues 316-336): SSPTAASTTH[Arg326Gln]YPKTPSPTVA